The following is an entry in ClinVar:

ClinVar aggregate classification (germline): Uncertain significance (1 of 4 stars; one submission).

Conditions:
Cardiovascular phenotype. Identifiers: MedGen CN230736.

Submission:

Ambry Genetics
Classification: Uncertain significance for Cardiovascular phenotype. Last evaluated: 2021-11-14. Review status: criteria provided, single submitter. Criteria: Ambry Variant Classification Scheme 2023. Collection method: clinical testing. Allele origin: germline.
Comment: The p.G445R variant (also known as c.1333G>C), located in coding exon 8 of the TBX1 gene, results from a G to C substitution at nucleotide position 1333. The glycine at codon 445 is replaced by arginine, an amino acid with dissimilar properties. This amino acid position is conserved. In addition, the in silico prediction for this alteration is inconclusive. Since supporting evidence is limited at this time, the clinical significance of this alteration remains unclear.

NM_001379200.1(TBX1):c.1360G>C (p.Gly454Arg)

Gene: TBX1 (T-box transcription factor 1; plus strand). Cytogenetic location: 22q11.21.
Variant type: single nucleotide variant.
Coding change: c.1360G>C on transcript NM_001379200.1 (MANE Select); coding-DNA position 1360, G replaced by C.
Protein change: p.Gly454Arg; replaces glycine 454 with arginine.
Molecular consequence: missense variant. On other transcripts: intron variant (2).
Genome position (GRCh38, 1-based): chr22:19,766,712, G>C. VCF-style: chr22-19766712-G-C. GRCh37 (hg19) VCF-style: chr22-19754235-G-C.
Other names: c.1333G>C, p.Gly445Arg (NM_080647.1); c.1009+710G>C (NM_005992.1, NM_080646.2); short protein forms G445R, G454R.
Identifiers: ClinVar variation 1770201 (VCV001770201.2), dbSNP rs1936865691, ClinGen allele CA410685122.
Genomic context (GRCh38, chr22:19,766,712, plus strand): 5'-CACTATCTCGGGGCCAAGAGCCGGCCGGCGCCCTACCCGCTGCCCGGCCTGCGTGGCCAC[G>C]GCTACCACCCGCACGCGCATCCGCACCACCACCACCACCCCGTGAGTCCAGCCGCCGCGG-3'
Protein context (NP_001366129.1, residues 444-464): PYPLPGLRGH[Gly454Arg]YHPHAHPHHH